The following is an entry in ClinVar:

ClinVar aggregate classification (germline): Likely benign (1 of 4 stars; one submission).

Submission:

Laboratory for Molecular Medicine, Mass General Brigham Personalized Medicine
Classification: Likely benign. Last evaluated: 2017-05-25. Review status: criteria provided, single submitter. Criteria: LMM Criteria. Collection method: clinical testing. Allele origin: germline. Observed: 4 variant alleles.
Comment: m.1040T>C in MTRNR1: This variant is not expected to have clinical significance because it has been reported at high frequency in several haplogroups, including 41.1% (44/107) of L2c, 100% (6/6) of R22, and 2% (3/151) of haplogroup C (MITO MAP).

Literature cited by the submitters: PubMed 18439549; PubMed 19083815.

NC_012920.1(MT-RNR1):m.1040T>C

Gene: MT-RNR1 (mitochondrially encoded 12S RNA; plus strand).
Variant type: single nucleotide variant.
Genome position: chrM-1040-T-C.
Identifiers: ClinVar variation 163983 (VCV000163983.4), dbSNP rs727503163, ClinGen allele CA176741.
Genomic context (GRCh38, chrMT:1,040, plus strand): 5'-TCACCTGAGTTGTAAAAAACTCCAGTTGACACAAAATAGACTACGAAAGTGGCTTTAACA[T>C]ATCTGAACACACAATAGCTAAGACCCAAACTGGGATTAGATACCCCACTATGCTTAGCCC-3'